The following is an entry in ClinVar:

NM_000383.4(AIRE):c.173C>A (p.Ala58Asp)

Gene: AIRE (autoimmune regulator; plus strand). Cytogenetic location: 21q22.3.
Variant type: single nucleotide variant.
Coding change: c.173C>A on transcript NM_000383.4 (MANE Select); coding-DNA position 173, C replaced by A.
Protein change: p.Ala58Asp; replaces alanine 58 with aspartic acid.
Molecular consequence: missense variant.
Genome position (GRCh38, 1-based): chr21:44,286,597, C>A. VCF-style: chr21-44286597-C-A. GRCh37 (hg19) VCF-style: chr21-45706480-C-A.
Other names: short protein forms A58D.
Identifiers: ClinVar variation 556161 (VCV000556161.12), dbSNP rs747941115, ClinGen allele CA410423286.

ClinVar aggregate classification (germline): Likely pathogenic. Review status: criteria provided, single submitter (1 of 4 stars). 2 submissions from 2 submitters: Likely pathogenic (1). 1 of the submissions does not count toward it. Last evaluated 2022-10-03.

Conditions:
Polyglandular autoimmune syndrome, type 1 (APS1). Also called: APS I; AUTOIMMUNE POLYENDOCRINE SYNDROME, TYPE I, WITH OR WITHOUT REVERSIBLE METAPHYSEAL DYSPLASIA; Autoimmune polyendocrine syndrome type 1; Autoimmune polyendocrinopathy syndrome, type I; HYPOADRENOCORTICISM WITH HYPOPARATHYROIDISM AND SUPERFICIAL MONILIASIS; PGA I. Identifiers: Orphanet 3453, MedGen C0085859, MONDO:0009411, OMIM 240300.

Allele frequency attached by ClinVar (database versions not stated): gnomAD 0.00001.
gnomAD v4.1: 1 of 1,612,594 alleles (0.000062%); highest among the groups gnomAD compares: African/African-American, 0.0013%; no homozygotes.

Submissions (2):

Labcorp Genetics (formerly Invitae), Labcorp
Classification: Likely pathogenic for Polyglandular autoimmune syndrome, type 1. Last evaluated: 2022-10-03. Review status: criteria provided, single submitter. Criteria: Invitae Variant Classification Sherloc (09022015). Collection method: clinical testing. Allele origin: germline.
Comment: In summary, the currently available evidence indicates that the variant is pathogenic, but additional data are needed to prove that conclusively. Therefore, this variant has been classified as Likely Pathogenic. This variant disrupts the p.Ala58 amino acid residue in AIRE. Other variant(s) that disrupt this residue have been determined to be pathogenic (PMID: 28911151). This suggests that this residue is clinically significant, and that variants that disrupt this residue are likely to be disease-causing. Advanced modeling of protein sequence and biophysical properties (such as structural, functional, and spatial information, amino acid conservation, physicochemical variation, residue mobility, and thermodynamic stability) performed at Invitae indicates that this missense variant is expected to disrupt AIRE protein function. ClinVar contains an entry for this variant (Variation ID: 556161). This missense change has been observed in individual(s) with clinical features of autosomal recessive autoimmune polyendocrinopathy syndrome (PMID: 26114819, 30003128). This variant is not present in population databases (gnomAD no frequency). This sequence change replaces alanine, which is neutral and non-polar, with aspartic acid, which is acidic and polar, at codon 58 of the AIRE protein (p.Ala58Asp).

Counsyl
Classification: Uncertain significance for Polyglandular autoimmune syndrome, type 1. Last evaluated: 2018-01-16. Review status: no assertion criteria provided. Collection method: clinical testing. Allele origin: unknown. Not counted in ClinVar's aggregate classification.

Literature cited by the submitters: PubMed 28911151 (cited by Labcorp Genetics (formerly Invitae), Labcorp); PubMed 26114819 (cited by Labcorp Genetics (formerly Invitae), Labcorp and Counsyl); PubMed 30003128 (cited by Labcorp Genetics (formerly Invitae), Labcorp).